The following is an entry in ClinVar:

NM_001943.5(DSG2):c.26A>T (p.Tyr9Phe)

Genes: DSG2 (desmoglein 2; plus strand), LOC130062340 (ATAC-STARR-seq lymphoblastoid silent region 9384; plus strand). Cytogenetic location: 18q12.1.
Variant type: single nucleotide variant.
Coding change: c.26A>T on transcript NM_001943.5 (MANE Select); coding-DNA position 26, A replaced by T.
Protein change: p.Tyr9Phe; replaces tyrosine 9 with phenylalanine.
Molecular consequence: missense variant.
Genome position (GRCh38, 1-based): chr18:31,498,277, A>T. VCF-style: chr18-31498277-A-T. GRCh37 (hg19) VCF-style: chr18-29078240-A-T.
Other names: short protein forms Y9F.
Identifiers: ClinVar variation 1466114 (VCV001466114.8), dbSNP rs2144276572, ClinGen allele CA402127605.

ClinVar aggregate classification (germline): Uncertain significance (1 of 4 stars; one submission).

Conditions:
Arrhythmogenic right ventricular dysplasia 10. Also called: ARRHYTHMOGENIC RIGHT VENTRICULAR DYSPLASIA, FAMILIAL, 10; Arrhythmogenic right ventricular dysplasia/cardiomyopathy, type 10; Arrhythmogenic Right Ventricular Dysplasia/Cardiomyopathy10. Identifiers: MedGen C1857777, MONDO:0012434, OMIM 610193.

Submission:

Labcorp Genetics (formerly Invitae), Labcorp
Classification: Uncertain significance for Arrhythmogenic right ventricular dysplasia 10. Last evaluated: 2022-02-05. Review status: criteria provided, single submitter. Criteria: Invitae Variant Classification Sherloc (09022015). Collection method: clinical testing. Allele origin: germline.
Comment: This sequence change replaces tyrosine, which is neutral and polar, with phenylalanine, which is neutral and non-polar, at codon 9 of the DSG2 protein (p.Tyr9Phe). In summary, the available evidence is currently insufficient to determine the role of this variant in disease. Therefore, it has been classified as a Variant of Uncertain Significance. Algorithms developed to predict the effect of missense changes on protein structure and function (SIFT, PolyPhen-2, Align-GVGD) all suggest that this variant is likely to be tolerated. This variant has not been reported in the literature in individuals affected with DSG2-related conditions. This variant is not present in population databases (gnomAD no frequency).